The following is an entry in ClinVar:

ClinVar aggregate classification (germline): Uncertain significance (1 of 4 stars; one submission).

Conditions:
Severe early-onset pulmonary alveolar proteinosis due to MARS deficiency. Also called: PULMONARY ALVEOLAR PROTEINOSIS, REUNION ISLAND; Interstitial lung and liver disease. Identifiers: Orphanet 440427, MedGen C4225400, MONDO:0014206, OMIM 615486.
Charcot-Marie-Tooth disease axonal type 2U. Also called: CHARCOT-MARIE-TOOTH NEUROPATHY, TYPE 2U; CHARCOT-MARIE-TOOTH DISEASE, AXONAL, AUTOSOMAL DOMINANT, TYPE 2U. Identifiers: Orphanet 397735, MedGen C4084821, MONDO:0014566, OMIM 616280.

Allele frequency attached by ClinVar (database versions not stated): gnomAD exomes below 0.00001 and 0.00001; ExAC 0.00002; TOPMed 0.00002.

Submission:

Labcorp Genetics (formerly Invitae), Labcorp
Classification: Uncertain significance for Charcot-Marie-Tooth disease axonal type 2U; Severe early-onset pulmonary alveolar proteinosis due to MARS deficiency. Last evaluated: 2024-08-19. Review status: criteria provided, single submitter. Criteria: Invitae Variant Classification Sherloc (09022015). Collection method: clinical testing. Allele origin: germline.
Comment: This sequence change affects the initiator methionine of the MARS mRNA. The next in-frame methionine is located at codon 235. This variant is present in population databases (rs760194380, gnomAD 0.002%). This variant has not been reported in the literature in individuals affected with MARS-related conditions. ClinVar contains an entry for this variant (Variation ID: 1681667). Experimental studies and prediction algorithms are not available or were not evaluated, and the functional significance of this variant is currently unknown. In summary, the available evidence is currently insufficient to determine the role of this variant in disease. Therefore, it has been classified as a Variant of Uncertain Significance.

NM_004990.4(MARS1):c.2T>A (p.Met1Lys)

Genes: ARHGAP9 (Rho GTPase activating protein 9; minus strand), MARS1 (methionyl-tRNA synthetase 1; plus strand). Cytogenetic location: 12q13.3.
Variant type: single nucleotide variant.
Coding change: c.2T>A on transcript NM_004990.4 (MANE Select); coding-DNA position 2, T replaced by A.
Protein change: p.Met1Lys; changes the start codon (methionine 1).
Molecular consequence: missense variant, initiator codon variant. On other transcripts: intron variant (1).
Genome position (GRCh38, 1-based): chr12:57,488,092, T>A. VCF-style: chr12-57488092-T-A. GRCh37 (hg19) VCF-style: chr12-57881875-T-A.
Other names: c.-204+520A>T (NM_001319850.2); short protein forms M1K.
Identifiers: ClinVar variation 1681667 (VCV001681667.8), dbSNP rs760194380, ClinGen allele CA6649997.
Genomic context (GRCh38, chr12:57,488,092, plus strand): 5'-CGCTGAACTCAGAAGCGGGAGGCCGGTTCCGGTTGCATCAGCGAGGGATTCACGGCGAAA[T>A]GAGACTGTTCGTGAGTGATGGCGTCCCGGGTTGCTTGCCGGTGCTGGCCGCCGCCGGGAG-3'
Protein context (NP_004981.2, residues 1-11): [Met1Lys]RLFVSDGVPG